The following is an entry in ClinVar:

ClinVar aggregate classification (germline): Uncertain significance (1 of 4 stars; one submission).

Conditions:
Klippel-Feil syndrome 3, autosomal dominant (KFS3). Identifiers: Orphanet 2345, MedGen C3150967, MONDO:0013375, OMIM 613702.

Submission:

Labcorp Genetics (formerly Invitae), Labcorp
Classification: Uncertain significance for Klippel-Feil syndrome 3, autosomal dominant. Last evaluated: 2024-03-07. Review status: criteria provided, single submitter. Criteria: Invitae Variant Classification Sherloc (09022015). Collection method: clinical testing. Allele origin: germline.
Comment: This sequence change affects codon 34 of the GDF3 mRNA. It is a 'silent' change, meaning that it does not change the encoded amino acid sequence of the GDF3 protein. This variant is not present in population databases (gnomAD no frequency). This variant has not been reported in the literature in individuals affected with GDF3-related conditions. Algorithms developed to predict the effect of sequence changes on RNA splicing suggest that this variant may create or strengthen a splice site. In summary, the available evidence is currently insufficient to determine the role of this variant in disease. Therefore, it has been classified as a Variant of Uncertain Significance.

NM_020634.3(GDF3):c.102C>G (p.Gly34=)

Gene: GDF3 (growth differentiation factor 3; minus strand). Cytogenetic location: 12p13.31.
Variant type: single nucleotide variant.
Coding change: c.102C>G on transcript NM_020634.3 (MANE Select); coding-DNA position 102, C replaced by G.
Protein change: p.Gly34=; no amino-acid change (glycine 34 retained).
Molecular consequence: synonymous variant.
Genome position (GRCh38, 1-based): chr12:7,695,627, G>C on the plus strand (C>G on the coding strand, the complement: GDF3 is on the minus strand). VCF-style: chr12-7695627-G-C. GRCh37 (hg19) VCF-style: chr12-7848223-G-C.
Identifiers: ClinVar variation 3608149 (VCV003608149.2).